The following is an entry in ClinVar:

NM_003900.5(SQSTM1):c.998G>A (p.Gly333Glu)

Gene: SQSTM1 (sequestosome 1; plus strand). Cytogenetic location: 5q35.3.
Variant type: single nucleotide variant.
Coding change: c.998G>A on transcript NM_003900.5 (MANE Select); coding-DNA position 998, G replaced by A.
Protein change: p.Gly333Glu; replaces glycine 333 with glutamic acid.
Molecular consequence: missense variant.
Genome position (GRCh38, 1-based): chr5:179,833,615, G>A. VCF-style: chr5-179833615-G-A. GRCh37 (hg19) VCF-style: chr5-179260615-G-A.
Other names: c.746G>A, p.Gly249Glu (NM_001142298.2, NM_001142299.2); c.998G>A (NM_003900.4); short protein forms G249E, G333E.
Identifiers: ClinVar variation 1468320 (VCV001468320.9), dbSNP rs755411592, ClinGen allele CA3600779.
Genomic context (GRCh38, chr5:179,833,615, plus strand): 5'-CTCCTGTGTGCTCATGGTGAGTTTTGTTCCAGGAACAGATGGAGTCGGATAACTGTTCAG[G>A]AGGAGATGATGACTGGACCCATCTGTCTTCAAAAGAAGTGGACCCGTCTACAGGTGAACT-3'
Protein context (NP_003891.1, residues 323-343): EEQMESDNCS[Gly333Glu]GDDDWTHLSS

ClinVar aggregate classification (germline): Uncertain significance. Review status: criteria provided, multiple submitters, no conflicts (2 of 4 stars). 2 submissions from 2 submitters: Uncertain significance (2). Last evaluated 2025-04-25.

Conditions:
Frontotemporal dementia and/or amyotrophic lateral sclerosis 1 (FTDALS1). Also called: C9orf72 Frontotemporal Dementia and/or Amyotrophic Lateral Sclerosis; Frontotemporal dementia with motor neuron disease 1. Identifiers: Orphanet 275872, MedGen C5779877, MONDO:0007105, OMIM 105550.
Paget disease of bone 2, early-onset (PDB2). Also called: Paget disease of bone 2. Identifiers: MedGen C4085251, MONDO:0011183, OMIM 602080.
Inborn genetic diseases. Identifiers: MedGen C0950123, MeSH D030342.

Allele frequency attached by ClinVar (database versions not stated): gnomAD exomes below 0.00001 and 0.00001; ExAC 0.00001; gnomAD 0.00001; TOPMed 0.00001.

Submissions (2):

Ambry Genetics
Classification: Uncertain significance for Inborn genetic diseases. Last evaluated: 2025-04-25. Review status: criteria provided, single submitter. Criteria: Ambry Variant Classification Scheme 2023. Collection method: clinical testing. Allele origin: germline.

Labcorp Genetics (formerly Invitae), Labcorp
Classification: Uncertain significance for Paget disease of bone 2, early-onset; Frontotemporal dementia and/or amyotrophic lateral sclerosis 1. Last evaluated: 2025-02-08. Review status: criteria provided, single submitter. Criteria: Invitae Variant Classification Sherloc (09022015). Collection method: clinical testing. Allele origin: germline.
Comment: This sequence change replaces glycine, which is neutral and non-polar, with glutamic acid, which is acidic and polar, at codon 333 of the SQSTM1 protein (p.Gly333Glu). This variant is present in population databases (rs755411592, gnomAD 0.006%). This variant has not been reported in the literature in individuals affected with SQSTM1-related conditions. ClinVar contains an entry for this variant (Variation ID: 1468320). Invitae Evidence Modeling of protein sequence and biophysical properties (such as structural, functional, and spatial information, amino acid conservation, physicochemical variation, residue mobility, and thermodynamic stability) indicates that this missense variant is not expected to disrupt SQSTM1 protein function with a negative predictive value of 80%. In summary, the available evidence is currently insufficient to determine the role of this variant in disease. Therefore, it has been classified as a Variant of Uncertain Significance.